The following is an entry in ClinVar:

NM_002353.3(TACSTD2):c.*421A>G

Gene: TACSTD2 (tumor associated calcium signal transducer 2; minus strand). Cytogenetic location: 1p32.1.
Variant type: single nucleotide variant.
Coding change: c.*421A>G on transcript NM_002353.3 (MANE Select); 421 bases downstream of the stop codon, A replaced by G.
Molecular consequence: 3 prime UTR variant.
Genome position (GRCh38, 1-based): chr1:58,575,764, T>C on the plus strand (A>G on the coding strand, the complement: TACSTD2 is on the minus strand). VCF-style: chr1-58575764-T-C. GRCh37 (hg19) VCF-style: chr1-59041436-T-C.
Identifiers: ClinVar variation 297754 (VCV000297754.6), dbSNP rs9583, ClinGen allele CA10611306.

ClinVar aggregate classification (germline): Benign. Review status: criteria provided, multiple submitters, no conflicts (2 of 4 stars). 2 submissions from 2 submitters: Benign (2). Last evaluated 2018-01-12.

Conditions:
Gelatinous droplike corneal dystrophy (GDLD). Also called: AMYLOID CORNEAL DYSTROPHY, JAPANESE TYPE. Identifiers: Orphanet 98957, MedGen C0339273, MONDO:0008777, OMIM 204870.

Allele frequency attached by ClinVar (database versions not stated): gnomAD exomes 0.07524; 1000 Genomes Project 0.10463; 1000 Genomes Project 30x 0.11071; gnomAD 0.11819 and 0.12260; TOPMed 0.12204.
gnomAD v4.1: 20,641 of 186,476 alleles (11%); highest among the groups gnomAD compares: African/African-American, 19%; 1,425 homozygotes.

Submissions (2):

Illumina Laboratory Services, Illumina
Classification: Benign for Gelatinous droplike corneal dystrophy. Last evaluated: 2018-01-12. Review status: criteria provided, single submitter. Criteria: ICSL Variant Classification Criteria 13 December 2019. Collection method: clinical testing. Allele origin: germline.
Comment: This variant was observed in the ICSL laboratory as part of a predisposition screen in an ostensibly healthy population. It had not been previously curated by ICSL or reported in the Human Gene Mutation Database (HGMD: prior to June 1st, 2018), and was therefore a candidate for classification through an automated scoring system. Utilizing variant allele frequency, disease prevalence and penetrance estimates, and inheritance mode, an automated score was calculated to assess if this variant is too frequent to cause the disease. Based on the score and internal cut-off values, a variant classified as benign is not then subjected to further curation. The score for this variant resulted in a classification of benign for this disease.

Breakthrough Genomics
Classification: Benign. Review status: criteria provided, single submitter. Criteria: ACMG Guidelines, 2015. Collection method: not provided. Allele origin: germline. Inheritance: Autosomal recessive inheritance. Affected: yes.